The following is an entry in ClinVar:

ClinVar aggregate classification (germline): Uncertain significance (1 of 4 stars; one submission).

Conditions:
Arrhythmogenic cardiomyopathy with wooly hair and keratoderma. Also called: Carvajal syndrome; Dilated cardiomyopathy with woolly hair and keratoderma; Arrhythmogenic cardiomyopathy with woolly hair and keratoderma; PALMOPLANTAR KERATODERMA WITH LEFT VENTRICULAR CARDIOMYOPATHY AND WOOLLY HAIR. Identifiers: Orphanet 65282, MedGen C1854063, MONDO:0011581, OMIM 605676.
Arrhythmogenic right ventricular dysplasia 8 (ARVD8). Also called: ARRHYTHMOGENIC RIGHT VENTRICULAR DYSPLASIA, FAMILIAL, 8; ARRHYTHMOGENIC RIGHT VENTRICULAR CARDIOMYOPATHY 8; Arrhythmogenic Right Ventricular Dysplasia/Cardiomyopathy 8. Identifiers: MedGen C1843896, MONDO:0011831, OMIM 607450.

Submission:

Labcorp Genetics (formerly Invitae), Labcorp
Classification: Uncertain significance for Arrhythmogenic cardiomyopathy with wooly hair and keratoderma; Arrhythmogenic right ventricular dysplasia 8. Last evaluated: 2022-09-04. Review status: criteria provided, single submitter. Criteria: Invitae Variant Classification Sherloc (09022015). Collection method: clinical testing. Allele origin: germline.
Comment: In summary, the available evidence is currently insufficient to determine the role of this variant in disease. Therefore, it has been classified as a Variant of Uncertain Significance. Algorithms developed to predict the effect of missense changes on protein structure and function are either unavailable or do not agree on the potential impact of this missense change (SIFT: "Deleterious"; PolyPhen-2: "Benign"; Align-GVGD: "Class C15"). This variant has not been reported in the literature in individuals affected with DSP-related conditions. This variant is not present in population databases (gnomAD no frequency). This sequence change replaces arginine, which is basic and polar, with glycine, which is neutral and non-polar, at codon 889 of the DSP protein (p.Arg889Gly).

NM_004415.4(DSP):c.2665A>G (p.Arg889Gly)

Gene: DSP (desmoplakin; plus strand). Cytogenetic location: 6p24.3.
Variant type: single nucleotide variant.
Coding change: c.2665A>G on transcript NM_004415.4 (MANE Select); coding-DNA position 2665, A replaced by G.
Protein change: p.Arg889Gly; replaces arginine 889 with glycine.
Molecular consequence: missense variant.
Genome position (GRCh38, 1-based): chr6:7,576,328, A>G. VCF-style: chr6-7576328-A-G. GRCh37 (hg19) VCF-style: chr6-7576561-A-G.
Other names: c.2665A>G, p.Arg889Gly (NM_001008844.3, NM_001319034.2); short protein forms R889G.
Identifiers: ClinVar variation 1717180 (VCV001717180.6), dbSNP rs2113686500, ClinGen allele CA362681860.